The following is an entry in ClinVar:

NM_002691.4(POLD1):c.1978C>A (p.Leu660Met)

Gene: POLD1 (DNA polymerase delta 1, catalytic subunit; plus strand). Cytogenetic location: 19q13.33.
Variant type: single nucleotide variant.
Coding change: c.1978C>A on transcript NM_002691.4 (MANE Select); coding-DNA position 1978, C replaced by A.
Protein change: p.Leu660Met; replaces leucine 660 with methionine.
Molecular consequence: missense variant. On other transcripts: non-coding transcript variant (1).
Genome position (GRCh38, 1-based): chr19:50,409,207, C>A. VCF-style: chr19-50409207-C-A. GRCh37 (hg19) VCF-style: chr19-50912464-C-A.
Other names: c.1978C>A, p.Leu660Met (NM_001256849.1); c.2056C>A, p.Leu686Met (NM_001308632.1); c.1978C>A (NM_002691.2); short protein forms L686M, L660M.
Identifiers: ClinVar variation 652192 (VCV000652192.9), dbSNP rs1601226743, ClinGen allele CA406982361.

ClinVar aggregate classification (germline): Uncertain significance. Review status: criteria provided, multiple submitters, no conflicts (2 of 4 stars). 2 submissions from 2 submitters: Uncertain significance (2). Last evaluated 2025-08-23.

Conditions:
Hereditary cancer-predisposing syndrome. Also called: Hereditary neoplastic syndrome; Tumor predisposition; Hereditary Cancer Syndrome; Neoplastic Syndromes, Hereditary. Identifiers: Orphanet 140162, MedGen C0027672, MeSH D009386, MONDO:0015356.
POLD1-related polyposis and colorectal cancer syndrome (CRCS10). Also called: Colorectal cancer, susceptibility to, 10; Colorectal cancer 10; COLORECTAL CANCER, SUSCEPTIBILITY TO, ON CHROMOSOME 19q. Identifiers: Orphanet 220460, MedGen C2675481, MONDO:0012953, OMIM 612591.

Submissions (2):

Ambry Genetics
Classification: Uncertain significance for Hereditary cancer-predisposing syndrome. Last evaluated: 2025-08-23. Review status: criteria provided, single submitter. Criteria: Ambry Variant Classification Scheme 2023. Collection method: clinical testing. Allele origin: germline.
Comment: The p.L660M variant (also known as c.1978C>A), located in coding exon 15 of the POLD1 gene, results from a C to A substitution at nucleotide position 1978. The leucine at codon 660 is replaced by methionine, an amino acid with highly similar properties. This amino acid position is conserved. In addition, the in silico prediction for this alteration is inconclusive. Based on the available evidence, the clinical significance of this variant remains unclear.

Labcorp Genetics (formerly Invitae), Labcorp
Classification: Uncertain significance for POLD1-related polyposis and colorectal cancer syndrome. Last evaluated: 2022-06-26. Review status: criteria provided, single submitter. Criteria: Invitae Variant Classification Sherloc (09022015). Collection method: clinical testing. Allele origin: germline.
Comment: In summary, the available evidence is currently insufficient to determine the role of this variant in disease. Therefore, it has been classified as a Variant of Uncertain Significance. Algorithms developed to predict the effect of missense changes on protein structure and function are either unavailable or do not agree on the potential impact of this missense change (SIFT: "Deleterious"; PolyPhen-2: "Probably Damaging"; Align-GVGD: "Class C0"). ClinVar contains an entry for this variant (Variation ID: 652192). This variant has not been reported in the literature in individuals affected with POLD1-related conditions. This variant is not present in population databases (gnomAD no frequency). This sequence change replaces leucine, which is neutral and non-polar, with methionine, which is neutral and non-polar, at codon 660 of the POLD1 protein (p.Leu660Met).